The following is an entry in ClinVar:

NM_001130987.2(DYSF):c.4950A>G (p.Ser1650=)

Gene: DYSF (dysferlin; plus strand). Cytogenetic location: 2p13.2.
Variant type: single nucleotide variant.
Coding change: c.4950A>G on transcript NM_001130987.2 (MANE Select); coding-DNA position 4950, A replaced by G.
Protein change: p.Ser1650=; no amino-acid change (serine 1650 retained).
Molecular consequence: synonymous variant.
Genome position (GRCh38, 1-based): chr2:71,660,598, A>G. VCF-style: chr2-71660598-A-G. GRCh37 (hg19) VCF-style: chr2-71887728-A-G.
Other names: c.4836A>G, p.Ser1612= (NM_001130455.2); c.4791A>G, p.Ser1597= (NM_001130976.2); c.4854A>G, p.Ser1618= (NM_001130977.2); c.4896A>G, p.Ser1632= (NM_001130978.2); c.4926A>G, p.Ser1642= (NM_001130979.2); c.4884A>G, p.Ser1628= (NM_001130980.2); c.4947A>G, p.Ser1649= (NM_001130981.2); c.4929A>G, p.Ser1643= (NM_001130982.2); and 5 more.
Identifiers: ClinVar variation 3027186 (VCV003027186.22), dbSNP rs2546506063, ClinGen allele CA426703756.

ClinVar aggregate classification (germline): Uncertain significance (1 of 4 stars; one submission).

Allele frequency attached by ClinVar (database versions not stated): gnomAD exomes below 0.00001.
gnomAD v4.1: 2 of 1,614,172 alleles (0.00012%); highest among the groups gnomAD compares: Non-Finnish European, 0.00017%; no homozygotes.

Submission:

CeGaT Center for Human Genetics Tuebingen
Classification: Uncertain significance. Last evaluated: 2024-02-01. Review status: criteria provided, single submitter. Criteria: CeGaT Center For Human Genetics Tuebingen Variant Classification Criteria Version 2. Collection method: clinical testing. Allele origin: germline. Affected: yes. Observed: 1 variant allele.
Comment: DYSF: PM2:Supporting, PP3